The following is an entry in ClinVar:

ClinVar aggregate classification (germline): Uncertain significance (1 of 4 stars; one submission).

Conditions:
RPGRIP1L-related disorder. Also called: RPGRIP1L-related condition; RPGRIP1L-related disorders. Identifiers: MedGen CN239416.

gnomAD v4.1: 1 of 1,614,068 alleles (0.000062%); highest among the groups gnomAD compares: Non-Finnish European, 0.000085%; no homozygotes.

Submission:

PreventionGenetics, part of Exact Sciences
Classification: Uncertain significance for RPGRIP1L-related condition. Last evaluated: 2025-09-12. Review status: criteria provided, single submitter. Criteria: ACMG Guidelines, 2015. Collection method: clinical testing. Allele origin: germline.
Comment: The RPGRIP1L c.2513T>G variant is predicted to result in the amino acid substitution p.Phe838Cys. To our knowledge, this variant has not been reported in the literature or in a large population database (gnomAD), indicating this variant is rare. At this time, the clinical significance of this variant is uncertain due to the absence of conclusive functional and genetic evidence.

NM_015272.5(RPGRIP1L):c.2513T>G (p.Phe838Cys)

Gene: RPGRIP1L (RPGRIP1 like; minus strand). Cytogenetic location: 16q12.2.
Variant type: single nucleotide variant.
Coding change: c.2513T>G on transcript NM_015272.5 (MANE Select); coding-DNA position 2513, T replaced by G.
Protein change: p.Phe838Cys; replaces phenylalanine 838 with cysteine.
Molecular consequence: missense variant.
Genome position (GRCh38, 1-based): chr16:53,645,795, A>C on the plus strand (T>G on the coding strand, the complement: RPGRIP1L is on the minus strand). VCF-style: chr16-53645795-A-C. GRCh37 (hg19) VCF-style: chr16-53679707-A-C.
Other names: c.2513T>G, p.Phe838Cys (NM_001127897.4, NM_001308334.3, NM_001330538.2); short protein forms F838C.
Identifiers: ClinVar variation 4979648 (VCV004979648.1).
Genomic context (GRCh38, chr16:53,645,795, plus strand): 5'-GACTTAAGGTATCGATCCAAGTCCATATTCATTGGCACTGGGAAATACATATGATCATCA[A>C]ACTGTGGATCATTGCTACTGGGAATGATAGCTGTATCATGGTCTGCAAAATCAAAAAACT-3'
Protein context (NP_056087.2, residues 828-848): AIIPSSNDPQ[Phe838Cys]DDHMYFPVPM